The following is an entry in ClinVar:

NM_031935.3(HMCN1):c.9287A>C (p.Asn3096Thr)

Gene: HMCN1 (hemicentin 1; plus strand). Cytogenetic location: 1q31.1.
Variant type: single nucleotide variant.
Coding change: c.9287A>C on transcript NM_031935.3 (MANE Select); coding-DNA position 9287, A replaced by C.
Protein change: p.Asn3096Thr; replaces asparagine 3096 with threonine.
Molecular consequence: missense variant.
Genome position (GRCh38, 1-based): chr1:186,087,569, A>C. VCF-style: chr1-186087569-A-C. GRCh37 (hg19) VCF-style: chr1-186056701-A-C.
Other names: short protein forms N3096T.
Identifiers: ClinVar variation 1974925 (VCV001974925.5), dbSNP rs2527894524, ClinGen allele CA343920019.

ClinVar aggregate classification (germline): Uncertain significance (1 of 4 stars; one submission).

Submission:

Labcorp Genetics (formerly Invitae), Labcorp
Classification: Uncertain significance. Last evaluated: 2022-05-10. Review status: criteria provided, single submitter. Criteria: Invitae Variant Classification Sherloc (09022015). Collection method: clinical testing. Allele origin: germline.
Comment: In summary, the available evidence is currently insufficient to determine the role of this variant in disease. Therefore, it has been classified as a Variant of Uncertain Significance. Algorithms developed to predict the effect of missense changes on protein structure and function are either unavailable or do not agree on the potential impact of this missense change (SIFT: "Deleterious"; PolyPhen-2: "Probably Damaging"; Align-GVGD: "Class C0"). This variant has not been reported in the literature in individuals affected with HMCN1-related conditions. This variant is not present in population databases (gnomAD no frequency). This sequence change replaces asparagine, which is neutral and polar, with threonine, which is neutral and polar, at codon 3096 of the HMCN1 protein (p.Asn3096Thr).